The following is an entry in ClinVar:

NM_030662.4(MAP2K2):c.253G>T (p.Val85Leu)

Gene: MAP2K2 (mitogen-activated protein kinase kinase 2; minus strand). Cytogenetic location: 19p13.3.
Variant type: single nucleotide variant.
Coding change: c.253G>T on transcript NM_030662.4 (MANE Select); coding-DNA position 253, G replaced by T.
Protein change: p.Val85Leu; replaces valine 85 with leucine.
Molecular consequence: missense variant.
Genome position (GRCh38, 1-based): chr19:4,117,469, C>A on the plus strand (G>T on the coding strand, the complement: MAP2K2 is on the minus strand). VCF-style: chr19-4117469-C-A. GRCh37 (hg19) VCF-style: chr19-4117467-C-A.
Other names: p.V85L:GTG>TTG; short protein forms V85L.
Identifiers: ClinVar variation 40771 (VCV000040771.3), dbSNP rs142503093, ClinGen allele CA296172.

ClinVar aggregate classification (germline): Uncertain significance. Review status: criteria provided, multiple submitters, no conflicts (2 of 4 stars). 2 submissions from 2 submitters: Uncertain significance (2). Last evaluated 2025-12-02.

Conditions:
Cardiovascular phenotype. Identifiers: MedGen CN230736.

Allele frequency attached by ClinVar (database versions not stated): ESP Exome Variant Server 0.00008.
gnomAD v4.1: 1 of 1,614,112 alleles (0.000062%); highest among the groups gnomAD compares: Non-Finnish European, 0.000085%; no homozygotes.

Submissions (2):

Ambry Genetics
Classification: Uncertain significance for Cardiovascular phenotype. Last evaluated: 2025-12-02. Review status: criteria provided, single submitter. Criteria: Ambry Variant Classification Scheme 2023. Collection method: clinical testing. Allele origin: germline.

GeneDx
Classification: Uncertain significance. Last evaluated: 2012-02-24. Review status: criteria provided, single submitter. Criteria: GeneDx Variant Classification (06012015). Collection method: clinical testing. Allele origin: germline. Affected: yes.
Comment: This variant is denoted c.253 G>T at the cDNA level or p.Val85Leu (V85L) at the protein level. The V85L missense substitution has not been published as a mutation, nor has it been reported as a benign polymorphism to our knowledge. This amino acid substitution is conservative as both the Valine and Leucine residues are neutral and non-polar. The position at which this substitution occurs is highly conserved in the protein and is located within the protein kinase domain, however, there have been no disease-associated mutations reported in the surrounding codons. The variant is found in NOONAN panel(s).